The following is an entry in ClinVar:

NM_014865.4(NCAPD2):c.2682A>G (p.Ala894=)

Gene: NCAPD2 (non-SMC condensin I complex subunit D2; plus strand). Cytogenetic location: 12p13.31.
Variant type: single nucleotide variant.
Coding change: c.2682A>G on transcript NM_014865.4 (MANE Select); coding-DNA position 2682, A replaced by G.
Protein change: p.Ala894=; no amino-acid change (alanine 894 retained).
Molecular consequence: synonymous variant.
Genome position (GRCh38, 1-based): chr12:6,526,563, A>G. VCF-style: chr12-6526563-A-G. GRCh37 (hg19) VCF-style: chr12-6635729-A-G.
Identifiers: ClinVar variation 3038871 (VCV003038871.2), dbSNP rs373683787, ClinGen allele CA6408822.
Genomic context (GRCh38, chr12:6,526,563, plus strand): 5'-CATTTACCAACTGGCAGAGGGCCCCGAAGTGATCTGTGCCCAGATATTGCAGGGCTGTGC[A>G]AAACAGGCCCTGGAGAAGCTAGAAGAGAAGAGAACCAGTCAGGAGGACCCGAGTAAGTGG-3'
Protein context (NP_055680.3, residues 884-904): VICAQILQGC[Ala894=]KQALEKLEEK

ClinVar aggregate classification (germline): Likely benign (0 of 4 stars; one submission).

Conditions:
NCAPD2-related disorder. Also called: NCAPD2-related condition.

Allele frequency attached by ClinVar (database versions not stated): gnomAD 0.00001; ExAC 0.00002; gnomAD exomes 0.00002.
gnomAD v4.1: 25 of 1,614,082 alleles (0.0015%); highest among the groups gnomAD compares: South Asian, 0.025%; no homozygotes.

Submission:

PreventionGenetics, part of Exact Sciences
Classification: Likely benign for NCAPD2-related condition. Last evaluated: 2019-05-24. Review status: no assertion criteria provided. Collection method: clinical testing. Allele origin: germline.
Comment: This variant is classified as likely benign based on ACMG/AMP sequence variant interpretation guidelines (Richards et al. 2015 PMID: 25741868, with internal and published modifications).